The following is an entry in ClinVar:

ClinVar aggregate classification (germline): Pathogenic (1 of 4 stars; one submission).

Conditions:
Hereditary breast ovarian cancer syndrome. Also called: Hereditary breast and ovarian cancer; Hereditary breast and/or ovarian cancer syndrome; Hereditary breast and ovarian cancer syndrome; Hereditary breast and ovarian cancer syndrome (HBOC); Breast and ovarian cancer; BRCA1- and BRCA2-Associated Hereditary Breast and Ovarian Cancer. Identifiers: Orphanet 145, MedGen C0677776, MeSH D061325, MONDO:0003582. Disease mechanism: loss of function.

Submission:

Labcorp Genetics (formerly Invitae), Labcorp
Classification: Pathogenic for Hereditary breast ovarian cancer syndrome. Last evaluated: 2019-05-04. Review status: criteria provided, single submitter. Criteria: Invitae Variant Classification Sherloc (09022015). Collection method: clinical testing. Allele origin: germline.
Comment: This sequence change creates a premature translational stop signal (p.Pro721Argfs*11) in the BRCA2 gene. It is expected to result in an absent or disrupted protein product. This variant is not present in population databases (ExAC no frequency). This variant has not been reported in the literature in individuals with BRCA2-related conditions. Loss-of-function variants in BRCA2 are known to be pathogenic (PMID: 20104584). For these reasons, this variant has been classified as Pathogenic.

Literature cited by the submitters: PubMed 20104584.

NM_000059.4(BRCA2):c.2160delinsCAGGAA (p.Pro721fs)

Gene: BRCA2 (BRCA2 DNA repair associated; plus strand). Cytogenetic location: 13q13.1.
Variant type: Indel.
Coding change: c.2160delinsCAGGAA on transcript NM_000059.4 (MANE Select); coding-DNA position 2160, T replaced by CAGGAA.
Protein change: p.Pro721fs; shifts the reading frame from proline 721.
Molecular consequence: frameshift variant.
Genome position (GRCh38, 1-based): chr13:32,336,515, T replaced by CAGGAA. VCF-style: chr13-32336515-T-CAGGAA. GRCh37 (hg19) VCF-style: chr13-32910652-T-CAGGAA.
Other names: short protein forms P721fs.
Identifiers: ClinVar variation 968213 (VCV000968213.6), dbSNP rs2072451658, ClinGen allele CA1139663106.